The following is an entry in ClinVar:

ClinVar aggregate classification (germline): Conflicting classifications of pathogenicity. Review status: criteria provided, conflicting classifications (1 of 4 stars). 2 submissions from 2 submitters: Uncertain significance (1); Likely benign (1). Last evaluated 2025-04-06.

Conditions:
Cardiovascular phenotype. Identifiers: MedGen CN230736.
Arrhythmogenic right ventricular dysplasia 12. Also called: ARRHYTHMOGENIC RIGHT VENTRICULAR DYSPLASIA, FAMILIAL, 12. Identifiers: MedGen C1969081, MONDO:0012684, OMIM 611528.
Naxos disease (NXD). Also called: PALMOPLANTAR KERATODERMA WITH ARRHYTHMOGENIC RIGHT VENTRICULAR CARDIOMYOPATHY AND WOOLLY HAIR; KERATOSIS PALMOPLANTARIS WITH ARRHYTHMOGENIC CARDIOMYOPATHY; MAL DE NAXOS; WOOLLY HAIR, PALMOPLANTAR KERATODERMA, AND CARDIAC ABNORMALITIES; CARDIOMYOPATHY, ARRHYTHMOGENIC RIGHT VENTRICULAR, WITH SKIN, HAIR, AND NAIL ABNORMALITIES. Identifiers: Orphanet 34217, MedGen C1832600, MONDO:0011017, OMIM 601214.

Allele frequency attached by ClinVar (database versions not stated): gnomAD exomes below 0.00001; ExAC 0.00001; gnomAD 0.00002; TOPMed 0.00002; ESP Exome Variant Server 0.00008.

Submissions (2):

Ambry Genetics
Classification: Likely benign for Cardiovascular phenotype. Last evaluated: 2025-04-06. Review status: criteria provided, single submitter. Criteria: Ambry Variant Classification Scheme 2023. Collection method: clinical testing. Allele origin: germline.

Labcorp Genetics (formerly Invitae), Labcorp
Classification: Uncertain significance for Arrhythmogenic right ventricular dysplasia 12; Naxos disease. Last evaluated: 2023-10-22. Review status: criteria provided, single submitter. Criteria: Invitae Variant Classification Sherloc (09022015). Collection method: clinical testing. Allele origin: germline.
Comment: This sequence change replaces histidine, which is basic and polar, with tyrosine, which is neutral and polar, at codon 215 of the JUP protein (p.His215Tyr). This variant is present in population databases (rs141124805, gnomAD 0.008%). This variant has not been reported in the literature in individuals affected with JUP-related conditions. ClinVar contains an entry for this variant (Variation ID: 1753531). An algorithm developed to predict the effect of missense changes on protein structure and function (PolyPhen-2) suggests that this variant is likely to be disruptive. In summary, the available evidence is currently insufficient to determine the role of this variant in disease. Therefore, it has been classified as a Variant of Uncertain Significance.

NM_002230.4(JUP):c.643C>T (p.His215Tyr)

Gene: JUP (junction plakoglobin; minus strand). Cytogenetic location: 17q21.2.
Variant type: single nucleotide variant.
Coding change: c.643C>T on transcript NM_002230.4 (MANE Select); coding-DNA position 643, C replaced by T.
Protein change: p.His215Tyr; replaces histidine 215 with tyrosine.
Molecular consequence: missense variant.
Genome position (GRCh38, 1-based): chr17:41,769,033, G>A on the plus strand (C>T on the coding strand, the complement: JUP is on the minus strand). VCF-style: chr17-41769033-G-A. GRCh37 (hg19) VCF-style: chr17-39925285-G-A.
Other names: c.643C>T, p.His215Tyr (NM_001352773.2, NM_001352774.2, NM_001352775.2 and 3 more transcripts); short protein forms H215Y.
Identifiers: ClinVar variation 1753531 (VCV001753531.6), dbSNP rs141124805, ClinGen allele CA8565426.